The following is an entry in ClinVar:

ClinVar aggregate classification (germline): Conflicting classifications of pathogenicity. Review status: criteria provided, conflicting classifications (1 of 4 stars). 2 submissions from 2 submitters: Likely pathogenic (1); Uncertain significance (1). Last evaluated 2026-07-08.

Conditions:
Familial thoracic aortic aneurysm and aortic dissection (TAAD). Also called: Thoracic aortic aneurysms and dissections. Identifiers: Orphanet 91387, MedGen C4707243, MONDO:0019625.
Hereditary cancer-predisposing syndrome. Also called: Hereditary Cancer Syndrome; Tumor predisposition; Hereditary neoplastic syndrome; Neoplastic Syndromes, Hereditary. Identifiers: Orphanet 140162, MedGen C0027672, MeSH D009386, MONDO:0015356.
Juvenile polyposis/hereditary hemorrhagic telangiectasia syndrome (JPHT). Also called: Juvenile Polyposis Syndrome / Hereditary Hemorrhagic Telangiectasia (JPS/HHT); TELANGIECTASIA, HEREDITARY HEMORRHAGIC, WITH JUVENILE POLYPOSIS COLI; POLYPOSIS, GENERALIZED JUVENILE, WITH PULMONARY ARTERIOVENOUS MALFORMATION; JP/HHT SYNDROME; JUVENILE POLYPOSIS WITH HEREDITARY HEMORRHAGIC TELANGIECTASIA. Identifiers: Orphanet 2929, MedGen C1832942, MONDO:0008278, OMIM 175050.

Submissions (2):

Ambry Genetics
Classification: Likely pathogenic for Hereditary cancer-predisposing syndrome; Familial thoracic aortic aneurysm and aortic dissection. Last evaluated: 2026-07-08. Review status: criteria provided, single submitter. Criteria: Ambry Variant Classification Scheme 2023. Collection method: clinical testing. Allele origin: germline.
Comment: The p.T521P variant (also known as c.1561A>C), located in coding exon 11 of the SMAD4 gene, results from an A to C substitution at nucleotide position 1561. The threonine at codon 521 is replaced by proline, an amino acid with highly similar properties. This variant was reported in individual(s) with features consistent with juvenile polyposis/hereditary hemorrhagic telangiectasia syndrome (Ambry internal data). This missense variant is located in a region that has a low rate of benign missense variation (Lek M et al. Nature. 2016 Aug 18;536(7616):285-91; DECIPHER: Database of Chromosomal Imbalance and Phenotype in Humans using Ensembl Resources. Firth H.V. et al. 2009. Am.J.Hum.Genet. 84, 524-533 (DOI)). This amino acid position is highly conserved in available vertebrate species. In addition, this alteration is predicted to be deleterious by in silico analysis. Based on the majority of available evidence to date, this variant is likely to be pathogenic.

Hema, HEMA – Genetic and Molecular Diagnostic Laboratory
Classification: Uncertain significance for Juvenile polyposis/hereditary hemorrhagic telangiectasia syndrome. Last evaluated: 2024-02-25. Review status: criteria provided, single submitter. Criteria: HEMA Variant Classification Assertion Criteria. Collection method: clinical testing. Allele origin: germline.
Comment: The c.1561A>C (p.Thr521Pro) variant is a transversion from adenine to cytosine, resulting in the substitution of threonine 521 with proline. PM2_Supporting: Absent in gnomAD. PP3_Strong: The computational metapredictor REVEL score = 0.968 ≥ 0.932, indicating that the variant would affect the function of the SMAD4 protein.

NM_005359.6(SMAD4):c.1561A>C (p.Thr521Pro)

Gene: SMAD4 (SMAD family member 4; plus strand). Cytogenetic location: 18q21.2.
Variant type: single nucleotide variant.
Coding change: c.1561A>C on transcript NM_005359.6 (MANE Select); coding-DNA position 1561, A replaced by C.
Protein change: p.Thr521Pro; replaces threonine 521 with proline.
Molecular consequence: missense variant.
Genome position (GRCh38, 1-based): chr18:51,078,369, A>C. VCF-style: chr18-51078369-A-C. GRCh37 (hg19) VCF-style: chr18-48604739-A-C.
Other names: short protein forms T521P.
Identifiers: ClinVar variation 187698 (VCV000187698.7), dbSNP rs786203930, ClinGen allele CA198340.
Genomic context (GRCh38, chr18:51,078,369, plus strand): 5'-CTCAGGATGAGTTTTGTGAAAGGCTGGGGACCGGATTACCCAAGACAGAGCATCAAAGAA[A>C]CACCTTGCTGGATTGAAATTCACTTACACCGGGCCCTCCAGCTCCTAGACGAAGTACTTC-3'
Protein context (NP_005350.1, residues 511-531): PDYPRQSIKE[Thr521Pro]PCWIEIHLHR